The following is an entry in ClinVar:

NM_001378454.1(ALMS1):c.1343C>G (p.Thr448Arg)

Gene: ALMS1 (ALMS1 centrosome and basal body associated protein; plus strand). Cytogenetic location: 2p13.1.
Variant type: single nucleotide variant.
Coding change: c.1343C>G on transcript NM_001378454.1 (MANE Select); coding-DNA position 1343, C replaced by G.
Protein change: p.Thr448Arg; replaces threonine 448 with arginine.
Molecular consequence: missense variant.
Genome position (GRCh38, 1-based): chr2:73,432,202, C>G. VCF-style: chr2-73432202-C-G. GRCh37 (hg19) VCF-style: chr2-73659330-C-G.
Other names: c.1346C>G, p.Thr449Arg (NM_015120.4); short protein forms T448R, T449R.
Identifiers: ClinVar variation 1204646 (VCV001204646.12), dbSNP rs774335945, ClinGen allele CA1713129.
Genomic context (GRCh38, chr2:73,432,202, plus strand): 5'-ATCTGGGCATTAATGAGTCTTTTTCATTTTTATTGCCTTCATTTGTTCCACATAAGCCAA[C>G]AAGAGAGTCGGAATATCACTCTTCAGATCTCAGAATGTTGAGGATGTCTCCTGACACTGT-3'
Protein context (NP_001365383.1, residues 438-458): ERVAELQRKP[Thr448Arg]RESEYHSSDL

ClinVar aggregate classification (germline): Uncertain significance. Review status: criteria provided, multiple submitters, no conflicts (2 of 4 stars). 6 submissions from 6 submitters: Uncertain significance (5). 1 of the submissions does not count toward it. Last evaluated 2023-12-08.

Conditions:
Alstrom syndrome (ALMS). Identifiers: Orphanet 64, MedGen C0268425, MONDO:0008763, OMIM 203800.
Cardiovascular phenotype. Identifiers: MedGen CN230736.

Allele frequency attached by ClinVar (database versions not stated): TOPMed 0.00008.
gnomAD v4.1: 291 of 1,611,894 alleles (0.018%); highest among the groups gnomAD compares: Non-Finnish European, 0.023%; no homozygotes.

Submissions (6):

Ambry Genetics
Classification: Uncertain significance for Cardiovascular phenotype. Last evaluated: 2023-12-08. Review status: criteria provided, single submitter. Criteria: Ambry Variant Classification Scheme 2023. Collection method: clinical testing. Allele origin: germline.
Comment: The p.T449R variant (also known as c.1346C>G), located in coding exon 7 of the ALMS1 gene, results from a C to G substitution at nucleotide position 1346. The threonine at codon 449 is replaced by arginine, an amino acid with similar properties. This variant was reported (as p.T448R, c.1343C>G) in an individual with familial dilated cardiomyopathy and paroxysmal atrial fibrillation, who also had additional cardiac variants detected (Minoche AE et al. Genet. Med., 2019 03;21:650-662). This amino acid position is not well conserved in available vertebrate species. In addition, this alteration is predicted to be tolerated by in silico analysis. Since supporting evidence is limited at this time, the clinical significance of this alteration remains unclear.

GeneDx
Classification: Uncertain significance. Last evaluated: 2022-10-30. Review status: criteria provided, single submitter. Criteria: GeneDx Variant Classification Process June 2021. Collection method: clinical testing. Allele origin: germline. Affected: yes.
Comment: Not observed at significant frequency in large population cohorts (gnomAD); In silico analysis supports that this missense variant does not alter protein structure/function; Has not been previously published as pathogenic or benign to our knowledge

Labcorp Genetics (formerly Invitae), Labcorp
Classification: Uncertain significance for Alstrom syndrome. Last evaluated: 2022-05-21. Review status: criteria provided, single submitter. Criteria: Invitae Variant Classification Sherloc (09022015). Collection method: clinical testing. Allele origin: germline.
Comment: This sequence change replaces threonine, which is neutral and polar, with arginine, which is basic and polar, at codon 449 of the ALMS1 protein (p.Thr449Arg). The frequency data for this variant in the population databases is considered unreliable, as metrics indicate poor data quality at this position in the gnomAD database. This variant has not been reported in the literature in individuals affected with ALMS1-related conditions. ClinVar contains an entry for this variant (Variation ID: 1204646). Experimental studies and prediction algorithms are not available or were not evaluated, and the functional significance of this variant is currently unknown. In summary, the available evidence is currently insufficient to determine the role of this variant in disease. Therefore, it has been classified as a Variant of Uncertain Significance.

Fulgent Genetics
Classification: Uncertain significance for Alstrom syndrome. Last evaluated: 2022-05-10. Review status: criteria provided, single submitter. Criteria: ACMG Guidelines, 2015. Collection method: clinical testing. Allele origin: unknown.

Department of Pathology and Laboratory Medicine, Sinai Health System
Classification: Uncertain significance for Alstrom syndrome. Last evaluated: 2021-07-30. Review status: criteria provided, single submitter. Criteria: ACMG Guidelines, 2015. Collection method: research. Allele origin: germline.

Natera, Inc.
Classification: Uncertain significance for Alstrom syndrome. Last evaluated: 2021-09-14. Review status: no assertion criteria provided. Collection method: clinical testing. Allele origin: germline. Not counted in ClinVar's aggregate classification.

Literature cited by the submitters: PubMed 29961767 (cited by Ambry Genetics).